The following is an entry in ClinVar:

ClinVar aggregate classification (germline): Pathogenic. Review status: reviewed by expert panel (3 of 4 stars). 5 submissions from 5 submitters: Pathogenic (1). 4 of the submissions do not count toward it. Last evaluated 2016-09-08.

Conditions:
Familial cancer of breast. Also called: BREAST CANCER, FAMILIAL; hereditary breast carcinoma; Hereditary breast cancer. Identifiers: Orphanet 227535, MedGen C0346153, MONDO:0016419, OMIM 114480. Disease mechanism: loss of function.
Hereditary cancer-predisposing syndrome. Also called: Tumor predisposition; Hereditary Cancer Syndrome; Hereditary neoplastic syndrome; Neoplastic Syndromes, Hereditary. Identifiers: Orphanet 140162, MedGen C0027672, MeSH D009386, MONDO:0015356.
Hereditary breast ovarian cancer syndrome. Also called: Breast and ovarian cancer; Hereditary breast and ovarian cancer syndrome; Hereditary breast and ovarian cancer; BRCA1- and BRCA2-Associated Hereditary Breast and Ovarian Cancer; Hereditary breast and ovarian cancer syndrome (HBOC); Hereditary breast and/or ovarian cancer syndrome. Identifiers: Orphanet 145, MedGen C0677776, MeSH D061325, MONDO:0003582. Disease mechanism: loss of function.
Breast-ovarian cancer, familial, susceptibility to, 2 (BROVCA2). Also called: BRCA2 Hereditary Breast and Ovarian Cancer. Identifiers: Orphanet 145, MedGen C2675520, MONDO:0012933, OMIM 612555. Disease mechanism: loss of function.

Submissions (5):

Evidence-based Network for the Interpretation of Germline Mutant Alleles (ENIGMA)
Classification: Pathogenic for Breast-ovarian cancer, familial, susceptibility to, 2. Last evaluated: 2016-09-08. Review status: reviewed by expert panel. Criteria: ENIGMA BRCA1/2 Classification Criteria (2015). Collection method: curation. Allele origin: germline.
Comment: Variant allele predicted to encode a truncated non-functional protein.

Labcorp Genetics (formerly Invitae), Labcorp
Classification: Pathogenic for Hereditary breast ovarian cancer syndrome. Last evaluated: 2026-01-19. Review status: criteria provided, single submitter. Criteria: Invitae Variant Classification Sherloc (09022015). Collection method: clinical testing. Allele origin: germline. Not counted in ClinVar's aggregate classification.
Comment: This sequence change creates a premature translational stop signal (p.Tyr2660Leufs*9) in the BRCA2 gene. It is expected to result in an absent or disrupted protein product. Loss-of-function variants in BRCA2 are known to be pathogenic (PMID: 20104584). This variant is not present in population databases (gnomAD no frequency). This premature translational stop signal has been observed in individual(s) with BRCA2-related conditions (PMID: 21520333). ClinVar contains an entry for this variant (Variation ID: 182321). Studies have shown that this premature translational stop signal is associated with inconclusive levels of altered splicing (internal data). For these reasons, this variant has been classified as Pathogenic.

Ambry Genetics
Classification: Pathogenic for Hereditary cancer-predisposing syndrome. Last evaluated: 2025-09-05. Review status: criteria provided, single submitter. Criteria: Ambry Variant Classification Scheme 2023. Collection method: clinical testing. Allele origin: germline. Not counted in ClinVar's aggregate classification.
Comment: The c.7979_7991del13 pathogenic mutation, located in coding exon 17 of the BRCA2 gene, results from a deletion of 13 nucleotides at nucleotide positions 7979 to 7991, causing a translational frameshift with a predicted alternate stop codon (p.Y2660Lfs*9). This variant is considered to be rare based on population cohorts in the Genome Aggregation Database (gnomAD). This alteration is expected to result in loss of function by premature protein truncation or nonsense-mediated mRNA decay. As such, this alteration is interpreted as a disease-causing mutation.

GeneDx
Classification: Pathogenic for Familial cancer of breast. Last evaluated: 2014-02-20. Review status: criteria provided, single submitter. Criteria: GeneDx Variant Classification (06012015). Collection method: clinical testing. Allele origin: germline. Affected: yes. Not counted in ClinVar's aggregate classification.
Comment: This variant is denoted BRCA2 c.7979_7991del13 at the cDNA level and p.Tyr2660LeufsX9 (Y2660LfsX9) at the protein level. The normal sequence surrounding the deletion of 13 nucleotides is agAT[del13]TGAT. The deletion causes a frameshift, changing a Tyrosine to a Leucine at codon 2660 in exon 18, and creating a premature stop codon at position 9 of the new reading frame. This mutation is predicted to cause loss of normal protein function through either protein truncation or nonsense-mediated mRNA decay. Although this mutation has not been previously reported to our knowledge, it is considered pathogenic. and is indicative of Hereditary Breast and Ovarian Cancer (HBOC) syndrome, an autosomal dominant condition that predisposes to breast and ovarian cancer as well as other cancers. The predominant BRCA2-related cancer risks for women who have not been diagnosed with cancer have been estimated as 41% - 84% lifetime risk for breast cancer and 11% - 27% lifetime risk for ovarian cancer (Ford 1998, Risch 2006). BRCA2 mutations have also been reported in women with fallopian tube carcinoma, primary peritoneal carcinoma, and uterine serous carcinoma (Levine 2003, Biron-Shental 2006). Women with BRCA1/2 mutations also have an increased risk for contralateral breast cancer. Women with BRCA mutations whose first cancer was diagnosed under age 40 have a 21-31% risk to develop a second breast cancer within 10 years and a 63% risk to develop a second breast cancer within 25 years. Women with BRCA mutations whose first cancer was diagnosed between ages 40 and 50 have an 11-13% risk to develop a second breast cancer within 10 years and a 44-49% risk within 25 years. Women with BRCA mutations whose first cancer was diagnosed after age 50 have an 8% risk to develop a second breast cancer within 10 years and a 20% risk within 25 years (Graeser 2009). Other cancer risks associated with a BRCA2 mutation include up to a 7% risk for pancreatic cancer (Ozcelik 1997, The Breast Cancer Linkage Consortium 1999), up to a 34% risk for prostate cancer in male carriers (Thompson 2001), and up to a 7% risk for male breast cancer (Liede 2004). The variant is found in BRCA1-BRCA2 panel(s).

Counsyl
Classification: Likely pathogenic for Breast-ovarian cancer, familial, susceptibility to, 2. Last evaluated: 2016-06-14. Review status: no assertion criteria provided. Collection method: clinical testing. Allele origin: unknown. Not counted in ClinVar's aggregate classification.

Literature cited by the submitters: PubMed 20104584 (cited by Labcorp Genetics (formerly Invitae), Labcorp); PubMed 21520333 (cited by Labcorp Genetics (formerly Invitae), Labcorp).

NM_000059.4(BRCA2):c.7979_7991del (p.Tyr2660fs)

Gene: BRCA2 (BRCA2 DNA repair associated; plus strand). Cytogenetic location: 13q13.1.
Variant type: Deletion.
Coding change: c.7979_7991del on transcript NM_000059.4 (MANE Select); coding-DNA positions 7979 to 7991, 13 bases deleted (ATGATACGGAAAT).
Protein change: p.Tyr2660fs; shifts the reading frame from tyrosine 2660.
Molecular consequence: frameshift variant.
Genome position (GRCh38, 1-based): chr13:32,363,181-32,363,193, ATGATACGGAAAT deleted; deleting any 13 consecutive bases within chr13:32,363,179-32,363,193 gives the same sequence; the c. name uses the placement nearest the transcript's 3' end. VCF-style (leftmost placement, unchanged base first): chr13-32363178-GATATGATACGGAA-G. GRCh37 (hg19) VCF-style: chr13-32937315-GATATGATACGGAA-G.
Other names: c.7979_7991delATGATACGGAAAT (NM_000059.3).
Identifiers: ClinVar variation 182321 (VCV000182321.15), dbSNP rs730881614, ClinGen allele CA025378.
Genomic context (GRCh38, chr13:32,363,178, plus strand): 5'-TTAAACAGTGGAATTCTAGAGTCACACTTCCTAAAATATGCATTTTTGTTTTCACTTTTA[GATATGATACGGAA>G]ATTGATAGAAGCAGAAGATCGGCTATAAAAAAGATAATGGAAAGGGATGACACAGCTGCA-3'